The following is an entry in ClinVar:

ClinVar aggregate classification (germline): Likely pathogenic (1 of 4 stars; one submission).

Conditions:
Familial thoracic aortic aneurysm and aortic dissection (TAAD). Also called: Thoracic aortic aneurysms and dissections. Identifiers: Orphanet 91387, MedGen C4707243, MONDO:0019625.

Submission:

Ambry Genetics
Classification: Likely pathogenic for Familial thoracic aortic aneurysm and aortic dissection. Last evaluated: 2021-08-20. Review status: criteria provided, single submitter. Criteria: Ambry Variant Classification Scheme 2023. Collection method: clinical testing. Allele origin: germline.
Comment: The p.C734S variant (also known as c.2200T>A), located in coding exon 18 of the FBN1 gene, results from a T to A substitution at nucleotide position 2200. The cysteine at codon 734 is replaced by serine, an amino acid with dissimilar properties, and is located in the cbEGF-like #07 domain. Two other alterations at the same codon, p.C734F (c.2201G>T) and p.C734Y (c.2201G>A), have been reported in individuals with a clinical diagnosis of Marfan syndrome (Katzke S et al. Hum Mutat, 2002 Sep;20:197-208; Ogawa N et al. Am J Cardiol, 2011 Dec;108:1801-7; Ambry internal data). Based on internal structural assessment, this alteration eliminates a structurally critical disulfide bond in the structurally sensitive cbEGF domain #07. The majority of FBN1 mutations identified to date have involved the substitution or generation of cysteine residues within cbEGF domains (Vollbrandt T et al. J Biol Chem. 2004;279(31):32924-32931). This variant is considered to be rare based on population cohorts in the Genome Aggregation Database (gnomAD). This amino acid position is highly conserved in available vertebrate species. In addition, this alteration is predicted to be deleterious by in silico analysis. Based on the majority of available evidence to date, this variant is likely to be pathogenic.

NM_000138.5(FBN1):c.2200T>A (p.Cys734Ser)

Gene: FBN1 (fibrillin 1; minus strand). Cytogenetic location: 15q21.1.
Variant type: single nucleotide variant.
Coding change: c.2200T>A on transcript NM_000138.5 (MANE Select); coding-DNA position 2200, T replaced by A.
Protein change: p.Cys734Ser; replaces cysteine 734 with serine.
Molecular consequence: missense variant.
Genome position (GRCh38, 1-based): chr15:48,497,359, A>T on the plus strand (T>A on the coding strand, the complement: FBN1 is on the minus strand). VCF-style: chr15-48497359-A-T. GRCh37 (hg19) VCF-style: chr15-48789556-A-T.
Other names: c.2200T>A, p.Cys734Ser (NM_001406716.1); short protein forms C734S.
Identifiers: ClinVar variation 1787632 (VCV001787632.2), dbSNP rs2141306513, ClinGen allele CA392335785.
Genomic context (GRCh38, chr15:48,497,359, plus strand): 5'-ATCCTGAATTGCATATACATTTATAGGTCCCACGAAGGTTTTCACAGATTCCATTTGGGC[A>T]AATATCAGGATCTAGTGCACATTCATTTATATCTGCACCACAAAAAAGGTCAAAATCAAT-3'
Protein context (NP_000129.3, residues 724-744): INECALDPDI[Cys734Ser]PNGICENLRG